The following is an entry in ClinVar:

ClinVar aggregate classification (germline): Conflicting classifications of pathogenicity. Review status: criteria provided, conflicting classifications (1 of 4 stars). 3 submissions from 3 submitters: Uncertain significance (2); Likely benign (1). Last evaluated 2025-06-22.

gnomAD v4.1: 34 of 1,605,876 alleles (0.0021%); highest among the groups gnomAD compares: East Asian, 0.067%; no homozygotes.

Submissions (3):

Labcorp Genetics (formerly Invitae), Labcorp
Classification: Uncertain significance. Last evaluated: 2025-06-22. Review status: criteria provided, single submitter. Criteria: Invitae Variant Classification Sherloc (09022015). Collection method: clinical testing. Allele origin: germline.
Comment: This sequence change replaces alanine, which is neutral and non-polar, with threonine, which is neutral and polar, at codon 182 of the KANK2 protein (p.Ala182Thr). The frequency data for this variant in the population databases is considered unreliable, as metrics indicate poor data quality at this position in the gnomAD database. This variant has not been reported in the literature in individuals affected with KANK2-related conditions. An algorithm developed to predict the effect of missense changes on protein structure and function (PolyPhen-2) suggests that this variant is likely to be disruptive. In summary, the available evidence is currently insufficient to determine the role of this variant in disease. Therefore, it has been classified as a Variant of Uncertain Significance.

Ambry Genetics
Classification: Likely benign. Last evaluated: 2025-06-16. Review status: criteria provided, single submitter. Criteria: Ambry Variant Classification Scheme 2023. Collection method: clinical testing. Allele origin: germline.

Blueprint Genetics
Classification: Uncertain significance. Last evaluated: 2024-04-05. Review status: criteria provided, single submitter. Criteria: ACMG Guidelines, 2015. Collection method: clinical testing. Allele origin: germline.

NM_001136191.3(KANK2):c.544G>A (p.Ala182Thr)

Gene: KANK2 (KN motif and ankyrin repeat domains 2; minus strand). Cytogenetic location: 19p13.2.
Variant type: single nucleotide variant.
Coding change: c.544G>A on transcript NM_001136191.3 (MANE Select); coding-DNA position 544, G replaced by A.
Protein change: p.Ala182Thr; replaces alanine 182 with threonine.
Molecular consequence: missense variant.
Genome position (GRCh38, 1-based): chr19:11,193,536, C>T on the plus strand (G>A on the coding strand, the complement: KANK2 is on the minus strand). VCF-style: chr19-11193536-C-T. GRCh37 (hg19) VCF-style: chr19-11304212-C-T.
Other names: c.544G>A, p.Ala182Thr (NM_001329451.2, NM_001379548.1, NM_001379549.1 and 15 more transcripts); short protein forms A182T.
Identifiers: ClinVar variation 4089615 (VCV004089615.3).
Genomic context (GRCh38, chr19:11,193,536, plus strand): 5'-GCTGCCGCAGCTTCCGCAGGGCACCCGCCATCTGCTCCCGCACGTGGGCCAGGTGCCCGG[C>T]ACTGGGAGGCACCGGTGTGGACAGTCCTGAACTCCGTGGTGTCGGGGGTGGCAACCCCAC-3'
Protein context (NP_001129663.1, residues 172-192): SGLSTPVPPS[Ala182Thr]GHLAHVREQM